The following is an entry in ClinVar:

NM_006005.3(WFS1):c.955A>T (p.Ile319Phe)

Gene: WFS1 (wolframin ER transmembrane glycoprotein; plus strand). Cytogenetic location: 4p16.1.
Variant type: single nucleotide variant.
Coding change: c.955A>T on transcript NM_006005.3 (MANE Select); coding-DNA position 955, A replaced by T.
Protein change: p.Ile319Phe; replaces isoleucine 319 with phenylalanine.
Molecular consequence: missense variant.
Genome position (GRCh38, 1-based): chr4:6,300,750, A>T. VCF-style: chr4-6300750-A-T. GRCh37 (hg19) VCF-style: chr4-6302477-A-T.
Other names: c.955A>T, p.Ile319Phe (NM_001145853.1); short protein forms I319F.
Identifiers: ClinVar variation 872209 (VCV000872209.49), dbSNP rs914996283, ClinGen allele CA91796214.
Genomic context (GRCh38, chr4:6,300,750, plus strand): 5'-ATCAAGGAGTACCTGATTGACATGGCCTCCAGGGCAGGCATGCACTGGCTGTCCACCATC[A>T]TCCCCACGCACCACATCAACGCGCTCATCTTCTTCTTCATCGTCAGCAACCTCACCATCG-3'
Protein context (NP_005996.2, residues 309-329): RAGMHWLSTI[Ile319Phe]PTHHINALIF

ClinVar aggregate classification (germline): Uncertain significance/Uncertain risk allele. Review status: criteria provided, multiple submitters, no conflicts (2 of 4 stars). 6 submissions from 6 submitters: Uncertain significance (5); Uncertain risk allele (1). Last evaluated 2025-05-25.

Conditions:
Inborn genetic diseases. Identifiers: MedGen C0950123, MeSH D030342.
WFS1-related disorder. Identifiers: MedGen CN379391, MONDO:0700293.
Cataract 41 (CTRCT41). Also called: CATARACT 41, CONGENITAL NUCLEAR TYPE. Identifiers: Orphanet 91492, Orphanet 98991, Orphanet 98992, Orphanet 98995, MedGen C3805412, MONDO:0007287, OMIM 116400.
Wolfram syndrome 1 (WFS1). Identifiers: Orphanet 3463, MedGen C4551693, MONDO:0009101, OMIM 222300.
Wolfram-like syndrome. Also called: HEARING LOSS, PROGRESSIVE, WITH OPTIC ATROPHY AND/OR IMPAIRED GLUCOSE REGULATION. Identifiers: Orphanet 411590, MedGen C3280358, MONDO:0013673, OMIM 614296.
Autosomal dominant nonsyndromic hearing loss 6 (LFSNHL). Also called: DEAFNESS, AUTOSOMAL DOMINANT 6; DEAFNESS, AUTOSOMAL DOMINANT 14; DEAFNESS, AUTOSOMAL DOMINANT 38; Autosomal dominant nonsyndromic deafness 6. Identifiers: Orphanet 90635, MedGen C1833021, MONDO:0010963, OMIM 600965.
Type 2 diabetes mellitus. Also called: Type II diabetes mellitus. Identifiers: MedGen C0011860, MeSH D003924, MONDO:0005148, OMIM 125853, HP:0005978.

Submissions (6):

Labcorp Genetics (formerly Invitae), Labcorp
Classification: Uncertain significance. Last evaluated: 2025-05-25. Review status: criteria provided, single submitter. Criteria: Invitae Variant Classification Sherloc (09022015). Collection method: clinical testing. Allele origin: germline.
Comment: This sequence change replaces isoleucine, which is neutral and non-polar, with phenylalanine, which is neutral and non-polar, at codon 319 of the WFS1 protein (p.Ile319Phe). This variant is not present in population databases (gnomAD no frequency). This variant has not been reported in the literature in individuals affected with WFS1-related conditions. ClinVar contains an entry for this variant (Variation ID: 872209). Invitae Evidence Modeling of protein sequence and biophysical properties (such as structural, functional, and spatial information, amino acid conservation, physicochemical variation, residue mobility, and thermodynamic stability) indicates that this missense variant is not expected to disrupt WFS1 protein function with a negative predictive value of 95%. In summary, the available evidence is currently insufficient to determine the role of this variant in disease. Therefore, it has been classified as a Variant of Uncertain Significance.

Ambry Genetics
Classification: Uncertain significance for Inborn genetic diseases. Last evaluated: 2025-03-18. Review status: criteria provided, single submitter. Criteria: Ambry Variant Classification Scheme 2023. Collection method: clinical testing. Allele origin: germline.

PreventionGenetics, part of Exact Sciences
Classification: Uncertain significance for WFS1-related condition. Last evaluated: 2024-11-27. Review status: criteria provided, single submitter. Criteria: ACMG Guidelines, 2015. Collection method: clinical testing. Allele origin: germline.
Comment: The WFS1 c.955A>T variant is predicted to result in the amino acid substitution p.Ile319Phe. To our knowledge, this variant has not been reported in the literature or in a large population database (gnomAD), indicating this variant is rare. At this time, the clinical significance of this variant is uncertain due to the absence of conclusive functional and genetic evidence.

Fulgent Genetics
Classification: Uncertain significance for Cataract 41; Type 2 diabetes mellitus; Wolfram syndrome 1; Autosomal dominant nonsyndromic hearing loss 6; Wolfram-like syndrome. Last evaluated: 2024-04-24. Review status: criteria provided, single submitter. Criteria: ACMG Guidelines, 2015. Collection method: clinical testing. Allele origin: germline.

CeGaT Center for Human Genetics Tuebingen
Classification: Uncertain significance. Last evaluated: 2020-01-01. Review status: criteria provided, single submitter. Criteria: CeGaT Center For Human Genetics Tuebingen Variant Classification Criteria Version 2. Collection method: clinical testing. Allele origin: germline. Affected: yes. Observed: 1 variant allele.

Clinical Genomics, Uppaluri K&H Personalized Medicine Clinic
Classification: Uncertain risk allele for Wolfram syndrome 1. Review status: criteria provided, single submitter. Criteria: K & H Uppaluri Personalized Medicine Clinic Variant Classification & Assertion Criteria_Updated V.1. Collection method: research. Allele origin: unknown. Inheritance: Autosomal recessive inheritance.
Comment: Potent mutations in WFS1 gene are associated with Wolfram's syndrome, an autosomal recessive condition, which cause diabetes mellitus, diabetes insipidus, deafness and optic atrophy. However no sufficient evidence is found to ascertain the role of this particular variant rs914996283 in Wolfram's syndrome yet.

Literature cited by the submitters: PubMed 20738327 (cited by Clinical Genomics, Uppaluri K&H Personalized Medicine Clinic); PubMed 33879153 (cited by Clinical Genomics, Uppaluri K&H Personalized Medicine Clinic); PubMed 12955714 (cited by Clinical Genomics, Uppaluri K&H Personalized Medicine Clinic); PubMed 18060660 (cited by Clinical Genomics, Uppaluri K&H Personalized Medicine Clinic); PubMed 20301750 (cited by Clinical Genomics, Uppaluri K&H Personalized Medicine Clinic); PubMed 17603484 (cited by Clinical Genomics, Uppaluri K&H Personalized Medicine Clinic).